The following is an entry in ClinVar:

ClinVar aggregate classification (germline): Uncertain significance (1 of 4 stars; one submission).

Conditions:
IFNLR1-related disorder. Also called: IFNLR1-related condition.

Submission:

PreventionGenetics, part of Exact Sciences
Classification: Uncertain significance for IFNLR1-related condition. Last evaluated: 2025-12-17. Review status: criteria provided, single submitter. Criteria: ACMG Guidelines, 2015. Collection method: clinical testing. Allele origin: germline.
Comment: The IFNLR1 c.803A>G variant is predicted to result in the amino acid substitution p.Asp268Gly. To our knowledge, this variant has not been reported in the literature. This variant is reported in 0.0041% of alleles in individuals of Latino descent in gnomAD. At this time, the clinical significance of this variant is uncertain due to the absence of conclusive functional and genetic evidence.

NM_170743.4(IFNLR1):c.803A>G (p.Asp268Gly)

Gene: IFNLR1 (interferon lambda receptor 1; minus strand). Cytogenetic location: 1p36.11.
Variant type: single nucleotide variant.
Coding change: c.803A>G on transcript NM_170743.4 (MANE Select); coding-DNA position 803, A replaced by G.
Protein change: p.Asp268Gly; replaces aspartic acid 268 with glycine.
Molecular consequence: missense variant. On other transcripts: synonymous variant (1), intron variant (1).
Genome position (GRCh38, 1-based): chr1:24,157,890, T>C on the plus strand (A>G on the coding strand, the complement: IFNLR1 is on the minus strand). VCF-style: chr1-24157890-T-C. GRCh37 (hg19) VCF-style: chr1-24484380-T-C.
Other names: c.672A>G, p.Gly224= (NM_173065.3); c.802-86A>G (NM_173064.3); short protein forms D268G.
Identifiers: ClinVar variation 4978524 (VCV004978524.1).